The following is an entry in ClinVar:

ClinVar aggregate classification (germline): Likely pathogenic (1 of 4 stars; one submission).

Submission:

Labcorp Genetics (formerly Invitae), Labcorp
Classification: Likely pathogenic. Last evaluated: 2021-03-23. Review status: criteria provided, single submitter. Criteria: Invitae Variant Classification Sherloc (09022015). Collection method: clinical testing. Allele origin: germline.
Comment: In summary, the currently available evidence indicates that the variant is pathogenic, but additional data are needed to prove that conclusively. Therefore, this variant has been classified as Likely Pathogenic. This variant disrupts the triple helix domain of COL2A1. Glycine residues within the Gly-Xaa-Yaa repeats of the triple helix domain are required for the structure and stability of fibrillar collagens (PMID: 7695699, 8218237, 19344236). In COL2A1, variants affecting these glycine residues are significantly enriched in individuals with disease (PMID: 9016532, 17078022) compared to the general population (ExAC). This variant has not been reported in the literature in individuals with COL2A1-related conditions. This variant is not present in population databases (ExAC no frequency). This variant, c.733_753del, results in the deletion of 7 amino acid(s) of the COL2A1 protein (p.Pro245_Pro251del), but otherwise preserves the integrity of the reading frame.

Literature cited by the submitters: PubMed 7695699; PubMed 8218237; PubMed 19344236; PubMed 9016532; PubMed 17078022.

NM_001844.5(COL2A1):c.733_753del (p.Pro245_Pro251del)

Gene: COL2A1 (collagen type II alpha 1 chain; minus strand). Cytogenetic location: 12q13.11.
Variant type: Deletion.
Coding change: c.733_753del on transcript NM_001844.5 (MANE Select); coding-DNA positions 733 to 753, 21 bases deleted (CCTGGTCCCCCTGGAAAGCCT).
Protein change: p.Pro245_Pro251del.
Molecular consequence: inframe deletion.
Genome position (GRCh38, 1-based): chr12:47,995,264-47,995,284, AGGCTTTCCAGGGGGACCAGG deleted on the plus strand (CCTGGTCCCCCTGGAAAGCCT on the coding strand, the reverse complement: COL2A1 is on the minus strand); deleting any 21 consecutive bases within chr12:47,995,264-47,995,287 gives the same sequence; the c. name uses the placement nearest the transcript's 3' end. VCF-style (leftmost placement, unchanged base first): chr12-47995263-CAGGCTTTCCAGGGGGACCAGG-C. GRCh37 (hg19) VCF-style: chr12-48389046-CAGGCTTTCCAGGGGGACCAGG-C.
Other names: c.526_546del, p.Pro176_Pro182del (NM_033150.3).
Identifiers: ClinVar variation 1504389 (VCV001504389.8), dbSNP rs2136616143, ClinGen allele CA2573148721.